The following is an entry in ClinVar:

ClinVar aggregate classification (germline): Conflicting classifications of pathogenicity. Review status: criteria provided, conflicting classifications (1 of 4 stars). 5 submissions from 5 submitters: Uncertain significance (4); Likely benign (1). Last evaluated 2026-01-19.

Conditions:
Frasier syndrome. Identifiers: Orphanet 347, MedGen C0950122, MeSH D052159, MONDO:0007635, OMIM 136680.
Drash syndrome (DDS). Also called: NEPHROPATHY, WILMS TUMOR, AND GENITAL ANOMALIES; WILMS TUMOR AND PSEUDO- OR TRUE HERMAPHRODITISM. Identifiers: Orphanet 220, MedGen C0950121, MONDO:0008682, OMIM 194080.
Wilms tumor 1 (WT1). Also called: Wilms tumor, somatic. Identifiers: Orphanet 654, MedGen CN033288, MONDO:0008679, OMIM 194070.
11p partial monosomy syndrome (WAGR). Also called: WAGR Complex; WAGR Spectrum Disorder; CHROMOSOME 11p13 DELETION SYNDROME; WAGR syndrome. Identifiers: Orphanet 893, MedGen C0206115, MONDO:0008681, OMIM 194072.
Hereditary cancer-predisposing syndrome. Also called: Neoplastic Syndromes, Hereditary; Hereditary neoplastic syndrome; Tumor predisposition; Hereditary Cancer Syndrome. Identifiers: Orphanet 140162, MedGen C0027672, MeSH D009386, MONDO:0015356.

Allele frequency attached by ClinVar (database versions not stated): gnomAD exomes 0.00008 and 0.00021; gnomAD 0.00009; TOPMed 0.00011; ExAC 0.00012.

Submissions (5):

Labcorp Genetics (formerly Invitae), Labcorp
Classification: Uncertain significance for Wilms tumor 1; Drash syndrome; 11p partial monosomy syndrome; Frasier syndrome. Last evaluated: 2026-01-19. Review status: criteria provided, single submitter. Criteria: Invitae Variant Classification Sherloc (09022015). Collection method: clinical testing. Allele origin: germline.
Comment: This sequence change replaces proline, which is neutral and non-polar, with serine, which is neutral and polar, at codon 136 of the WT1 protein (p.Pro136Ser). This variant is present in population databases (rs750548251, gnomAD 0.01%). This variant has not been reported in the literature in individuals affected with WT1-related conditions. ClinVar contains an entry for this variant (Variation ID: 406693). Invitae Evidence Modeling of protein sequence and biophysical properties (such as structural, functional, and spatial information, amino acid conservation, physicochemical variation, residue mobility, and thermodynamic stability) indicates that this missense variant is not expected to disrupt WT1 protein function with a negative predictive value of 95%. In summary, the available evidence is currently insufficient to determine the role of this variant in disease. Therefore, it has been classified as a Variant of Uncertain Significance.

CeGaT Center for Human Genetics Tuebingen
Classification: Uncertain significance. Last evaluated: 2024-11-01. Review status: criteria provided, single submitter. Criteria: CeGaT Center For Human Genetics Tuebingen Variant Classification Criteria Version 2. Collection method: clinical testing. Allele origin: germline. Affected: yes. Observed: 2 variant alleles.

Blueprint Genetics
Classification: Uncertain significance. Last evaluated: 2024-08-30. Review status: criteria provided, single submitter. Criteria: ACMG Guidelines, 2015. Collection method: clinical testing. Allele origin: germline.

GeneDx
Classification: Likely benign. Last evaluated: 2023-05-26. Review status: criteria provided, single submitter. Criteria: GeneDx Variant Classification Process June 2021. Collection method: clinical testing. Allele origin: germline. Affected: yes.
Comment: See Variant Classification Assertion Criteria.

Sema4
Classification: Uncertain significance for Hereditary cancer-predisposing syndrome. Last evaluated: 2021-06-25. Review status: criteria provided, single submitter. Criteria: Sema4 Curation Guidelines. Collection method: curation. Allele origin: germline.
Comment: The WT1 c.406C>T (p.P136S) variant has not been reported in the literature to our knowledge. It was observed in 15/95228 chromosomes of the European (non-Finnish) subpopulation, with no homozygotes, in the large and broad cohorts of the Genome Aggregation Database (PMID: 32461654) and has been reported in ClinVar (Variation ID 406693). In silico tools suggest the impact of the variant on protein function is inconclusive, though these predictions have not been confirmed by functional studies. The evidence is insufficient to meet ACMG/AMP criteria for classifying the variant as benign or pathogenic. Thus, the clinical significance of this variant is currently uncertain.

NM_024426.6(WT1):c.421C>T (p.Pro141Ser)

Genes: WT1 (WT1 transcription factor; minus strand), LOC107982234 (WT1/WT1-AS bi-directional promoter region; plus strand). Cytogenetic location: 11p13.
Variant type: single nucleotide variant.
Coding change: c.421C>T on transcript NM_024426.6 (MANE Select); coding-DNA position 421, C replaced by T.
Protein change: p.Pro141Ser; replaces proline 141 with serine.
Molecular consequence: missense variant. On other transcripts: non-coding transcript variant (1).
Genome position (GRCh38, 1-based): chr11:32,434,940, G>A on the plus strand (C>T on the coding strand, the complement: WT1 is on the minus strand). VCF-style: chr11-32434940-G-A. GRCh37 (hg19) VCF-style: chr11-32456486-G-A.
Other names: c.421C>T, p.Pro141Ser (NM_000378.6, NM_024424.5); short protein forms P141S.
Identifiers: ClinVar variation 406693 (VCV000406693.43), dbSNP rs750548251, ClinGen allele CA064922.